The following is an entry in ClinVar:

NM_001267550.2(TTN):c.76492C>G (p.Pro25498Ala)

Genes: TTN (titin; minus strand), TTN-AS1 (TTN antisense RNA 1; plus strand). Cytogenetic location: 2q31.2.
Variant type: single nucleotide variant.
Coding change: c.76492C>G on transcript NM_001267550.2 (MANE Select); coding-DNA position 76492, C replaced by G.
Protein change: p.Pro25498Ala; replaces proline 25498 with alanine.
Molecular consequence: missense variant.
Genome position (GRCh38, 1-based): chr2:178,569,640, G>C on the plus strand (C>G on the coding strand, the complement: TTN is on the minus strand). VCF-style: chr2-178569640-G-C. GRCh37 (hg19) VCF-style: chr2-179434367-G-C.
Other names: c.68788C>G, p.Pro22930Ala (NM_133378.4); c.71569C>G, p.Pro23857Ala (NM_001256850.1); c.49297C>G, p.Pro16433Ala (NM_003319.4); c.49672C>G, p.Pro16558Ala (NM_133432.3); c.49873C>G, p.Pro16625Ala (NM_133437.4); short protein forms P22930A, P25498A, P16558A, P16625A, P23857A, P16433A.
Identifiers: ClinVar variation 229519 (VCV000229519.12), dbSNP rs377754701, ClinGen allele CA1989902.

ClinVar aggregate classification (germline): Uncertain significance. Review status: criteria provided, multiple submitters, no conflicts (2 of 4 stars). 4 submissions from 4 submitters: Uncertain significance (4). Last evaluated 2023-10-27.

Conditions:
Cardiovascular phenotype. Identifiers: MedGen CN230736.
Autosomal recessive limb-girdle muscular dystrophy type 2J (LGMDR10). Also called: Limb-girdle muscular dystrophy, type 2J; MUSCULAR DYSTROPHY, LIMB-GIRDLE, AUTOSOMAL RECESSIVE 10. Identifiers: Orphanet 140922, MedGen C1837342, MONDO:0012127, OMIM 608807.
Dilated cardiomyopathy 1G (CMD1G). Identifiers: Orphanet 154, MedGen C1858763, MONDO:0011400, OMIM 604145.

Allele frequency attached by ClinVar (database versions not stated): 1000 Genomes Project 30x 0.00047; 1000 Genomes Project 0.00060.
gnomAD v4.1: 94 of 1,611,840 alleles (0.0058%); highest among the groups gnomAD compares: South Asian, 0.098%; no homozygotes.

Submissions (4):

Revvity Omics, Revvity
Classification: Uncertain significance. Last evaluated: 2023-10-27. Review status: criteria provided, single submitter. Criteria: ACMG Guidelines, 2015. Collection method: clinical testing. Allele origin: germline.

Ambry Genetics
Classification: Uncertain significance for Cardiovascular phenotype. Last evaluated: 2019-08-06. Review status: criteria provided, single submitter. Criteria: Ambry Variant Classification Scheme 2023. Collection method: clinical testing. Allele origin: germline.
Comment: The p.P16433A variant (also known as c.49297C>G), located in coding exon 153 of the TTN gene, results from a C to G substitution at nucleotide position 49297. The proline at codon 16433 is replaced by alanine, an amino acid with highly similar properties. This amino acid position is not well conserved in available vertebrate species. In addition, this alteration is predicted to be tolerated by in silico analysis. Since supporting evidence is limited at this time, the clinical significance of this alteration remains unclear.

Labcorp Genetics (formerly Invitae), Labcorp
Classification: Uncertain significance for Dilated cardiomyopathy 1G; Autosomal recessive limb-girdle muscular dystrophy type 2J. Last evaluated: 2017-08-02. Review status: criteria provided, single submitter. Criteria: Invitae Variant Classification Sherloc (09022015). Collection method: clinical testing. Allele origin: germline.

Laboratory for Molecular Medicine, Mass General Brigham Personalized Medicine
Classification: Uncertain significance. Last evaluated: 2015-06-11. Review status: criteria provided, single submitter. Criteria: LMM Criteria. Collection method: clinical testing. Allele origin: germline. Observed: 1 variant allele.
Comment: Variant classified as Uncertain Significance - Favor Benign. The p.Pro22930Ala v ariant in TTN has not been previously reported in individuals with cardiomyopath y, but has been identified in 0.1% (12/15990) of South Asian chromosomes by the Exome Aggregation Consortium (ExAC; dbSNP rs3777 54701). Proline (Pro) at position 22930 is not conserved in evolution, and 3 fis h (coelacanth, fugu and spotted gar) carry an alanine (Ala) at this position, ra ising the possibility that this change may be tolerated. In summary, while the c linical significance of the p.Pro22930Ala variant is uncertain, its frequency an d lack of evolutionary conservation suggest that it is more likely to be benign.